The following is an entry in ClinVar:

ClinVar aggregate classification (germline): Benign/Likely benign. Review status: criteria provided, multiple submitters, no conflicts (2 of 4 stars). 3 submissions from 3 submitters: Benign (1); Likely benign (2). Last evaluated 2026-07-13.

Conditions:
Hereditary cancer-predisposing syndrome. Also called: Hereditary neoplastic syndrome; Neoplastic Syndromes, Hereditary; Tumor predisposition; Hereditary Cancer Syndrome. Identifiers: Orphanet 140162, MedGen C0027672, MeSH D009386, MONDO:0015356.
Rhabdoid tumor predisposition syndrome 2 (RTPS2). Identifiers: Orphanet 231108, Orphanet 69077, MedGen C2750074, MONDO:0013224, OMIM 613325.

Allele frequency attached by ClinVar (database versions not stated): gnomAD 0.00001; gnomAD exomes below 0.00001; TOPMed below 0.00001.
gnomAD v4.1: 2 of 1,613,740 alleles (0.00012%); highest among the groups gnomAD compares: Non-Finnish European, 0.00017%; no homozygotes.

Submissions (3):

Myriad Genetics, Inc.
Classification: Benign for Rhabdoid tumor predisposition syndrome 2. Last evaluated: 2026-07-13. Review status: criteria provided, single submitter. Criteria: Myriad Autosomal Dominant, Autosomal Recessive and X-Linked Classification Criteria (2023). Collection method: clinical testing. Allele origin: unknown.
Comment: This variant is considered benign. This variant is a silent/synonymous amino acid change and it is not expected to impact splicing.

Ambry Genetics
Classification: Likely benign for Hereditary cancer-predisposing syndrome. Last evaluated: 2024-11-28. Review status: criteria provided, single submitter. Criteria: Ambry Variant Classification Scheme 2023. Collection method: clinical testing. Allele origin: germline.

Labcorp Genetics (formerly Invitae), Labcorp
Classification: Likely benign for Rhabdoid tumor predisposition syndrome 2. Last evaluated: 2024-06-15. Review status: criteria provided, single submitter. Criteria: Invitae Variant Classification Sherloc (09022015). Collection method: clinical testing. Allele origin: germline.

NM_003072.5(SMARCA4):c.2496G>A (p.Val832=)

Gene: SMARCA4 (SWI/SNF related BAF chromatin remodeling complex subunit ATPase 4; plus strand). Cytogenetic location: 19p13.2.
Variant type: single nucleotide variant.
Coding change: c.2496G>A on transcript NM_003072.5 (MANE Select); coding-DNA position 2496, G replaced by A.
Protein change: p.Val832=; no amino-acid change (valine 832 retained).
Molecular consequence: synonymous variant. On other transcripts: non-coding transcript variant (1).
Genome position (GRCh38, 1-based): chr19:11,019,014, G>A. VCF-style: chr19-11019014-G-A. GRCh37 (hg19) VCF-style: chr19-11129690-G-A.
Other names: c.2496G>A, p.Val832= (NM_001128844.3, NM_001128845.2, NM_001128846.2 and 6 more transcripts); c.2496G>A (NM_001128849.1).
Identifiers: ClinVar variation 1906135 (VCV001906135.7), dbSNP rs1344650799, ClinGen allele CA505490187.